The following is an entry in ClinVar:

NM_002863.3(PYGL):c.[1964_1969invAAAAAG;1969+1_+4delGTAC]

Variant type: Haplotype.
Identifiers: ClinVar variation 38368 (VCV000038368.4).

ClinVar aggregate classification (germline): Pathogenic (0 of 4 stars; one submission).

Conditions:
Glycogen storage disease, type VI (GSD6). Also called: GSD VI; HERS DISEASE; PHOSPHORYLASE DEFICIENCY GLYCOGEN-STORAGE DISEASE OF LIVER; Glycogen storage disease type 6; Hepatic glycogen phosphorylase deficiency; Glycogen storage disease type 6, due to phosphorylation. Identifiers: Orphanet 369, MedGen C0017925, MONDO:0009294, OMIM 232700.

Submission:

GeneReviews
Classification: Pathogenic for Glycogen Storage Disease Type VI. Last evaluated: 2011-05-17. Review status: no assertion criteria provided. Collection method: curation. Allele origin: unknown.
ClinVar note: Converted during submission from pathologic to Pathogenic.